The following is an entry in ClinVar:

ClinVar aggregate classification (germline): Uncertain significance. Review status: criteria provided, multiple submitters, no conflicts (2 of 4 stars). 3 submissions from 3 submitters: Uncertain significance (3). Last evaluated 2025-06-25.

Conditions:
Hereditary sensory and autonomic neuropathy type 7. Also called: Neuropathy, hereditary sensory and autonomic, type VII; HSAN VII. Identifiers: Orphanet 391397, MedGen C3809882, MONDO:0014244, OMIM 615548.
Familial episodic pain syndrome with predominantly lower limb involvement. Also called: Episodic pain syndrome, familial, 3. Identifiers: Orphanet 391384, Orphanet 391392, MedGen C3809899, MONDO:0014247, OMIM 615552.
Inborn genetic diseases. Identifiers: MedGen C0950123, MeSH D030342.

gnomAD v4.1: 11 of 1,581,138 alleles (0.0007%); highest among the groups gnomAD compares: Non-Finnish European, 0.00094%; no homozygotes.

Submissions (3):

Ambry Genetics
Classification: Uncertain significance for Inborn genetic diseases. Last evaluated: 2025-06-25. Review status: criteria provided, single submitter. Criteria: Ambry Variant Classification Scheme 2023. Collection method: clinical testing. Allele origin: germline.

Baylor Genetics
Classification: Uncertain significance for Hereditary sensory and autonomic neuropathy type 7. Last evaluated: 2023-07-19. Review status: criteria provided, single submitter. Criteria: ACMG Guidelines, 2015. Collection method: clinical testing. Allele origin: unknown.

Labcorp Genetics (formerly Invitae), Labcorp
Classification: Uncertain significance for Familial episodic pain syndrome with predominantly lower limb involvement; Hereditary sensory and autonomic neuropathy type 7. Last evaluated: 2019-02-11. Review status: criteria provided, single submitter. Criteria: Invitae Variant Classification Sherloc (09022015). Collection method: clinical testing. Allele origin: germline.
Comment: Algorithms developed to predict the effect of missense changes on protein structure and function are either unavailable or do not agree on the potential impact of this missense change (SIFT: "Tolerated"; PolyPhen-2: "Probably Damaging"; Align-GVGD: "Class C0"). In summary, the available evidence is currently insufficient to determine the role of this variant in disease. Therefore, it has been classified as a Variant of Uncertain Significance. This variant has not been reported in the literature in individuals with SCN11A-related conditions. This variant is not present in population databases (ExAC no frequency). This sequence change replaces cysteine with tyrosine at codon 1355 of the SCN11A protein (p.Cys1355Tyr). The cysteine residue is moderately conserved and there is a large physicochemical difference between cysteine and tyrosine.

NM_001349253.2(SCN11A):c.4064G>A (p.Cys1355Tyr)

Gene: SCN11A (sodium voltage-gated channel alpha subunit 11; minus strand). Cytogenetic location: 3p22.2.
Variant type: single nucleotide variant.
Coding change: c.4064G>A on transcript NM_001349253.2 (MANE Select); coding-DNA position 4064, G replaced by A.
Protein change: p.Cys1355Tyr; replaces cysteine 1355 with tyrosine.
Molecular consequence: missense variant.
Genome position (GRCh38, 1-based): chr3:38,850,744, C>T on the plus strand (G>A on the coding strand, the complement: SCN11A is on the minus strand). VCF-style: chr3-38850744-C-T. GRCh37 (hg19) VCF-style: chr3-38892235-C-T.
Other names: c.4064G>A, p.Cys1355Tyr (NM_014139.3); short protein forms C1355Y.
Identifiers: ClinVar variation 835327 (VCV000835327.8), dbSNP rs555362768, ClinGen allele CA352166097.